The following is an entry in ClinVar:

NM_001379451.1(BCORL1):c.1373G>A (p.Gly458Glu)

Gene: BCORL1 (BCL6 corepressor like 1; plus strand). Cytogenetic location: Xq26.1.
Variant type: single nucleotide variant.
Coding change: c.1373G>A on transcript NM_001379451.1 (MANE Select); coding-DNA position 1373, G replaced by A.
Protein change: p.Gly458Glu; replaces glycine 458 with glutamic acid.
Molecular consequence: missense variant.
Genome position (GRCh38, 1-based): chrX:130,014,145, G>A. VCF-style: chrX-130014145-G-A. GRCh37 (hg19) VCF-style: chrX-129148121-G-A.
Other names: c.1373G>A, p.Gly458Glu (NM_001441326.1, NM_001441327.1, NM_001441328.1 and 7 more transcripts); short protein forms G458E.
Identifiers: ClinVar variation 4074493 (VCV004074493.1).

ClinVar aggregate classification (germline): Uncertain significance (1 of 4 stars; one submission).

Submission:

GeneDx
Classification: Uncertain significance. Last evaluated: 2025-02-07. Review status: criteria provided, single submitter. Criteria: GeneDx Variant Classification Process June 2021. Collection method: clinical testing. Allele origin: germline. Affected: yes.
Comment: Not observed at significant frequency in large population cohorts (gnomAD); In silico analysis indicates that this missense variant does not alter protein structure/function; Has not been previously published as pathogenic or benign to our knowledge